The following is an entry in ClinVar:

ClinVar aggregate classification (germline): Uncertain significance (1 of 4 stars; one submission).

Submission:

Labcorp Genetics (formerly Invitae), Labcorp
Classification: Uncertain significance. Last evaluated: 2022-03-09. Review status: criteria provided, single submitter. Criteria: Invitae Variant Classification Sherloc (09022015). Collection method: clinical testing. Allele origin: germline.
Comment: This sequence change replaces asparagine, which is neutral and polar, with serine, which is neutral and polar, at codon 707 of the ERCC2 protein (p.Asn707Ser). This variant is not present in population databases (gnomAD no frequency). This variant has not been reported in the literature in individuals affected with ERCC2-related conditions. Algorithms developed to predict the effect of missense changes on protein structure and function are either unavailable or do not agree on the potential impact of this missense change (SIFT: "Deleterious"; PolyPhen-2: "Benign"; Align-GVGD: "Class C0"). In summary, the available evidence is currently insufficient to determine the role of this variant in disease. Therefore, it has been classified as a Variant of Uncertain Significance.

NM_000400.4(ERCC2):c.2120A>G (p.Asn707Ser)

Gene: ERCC2 (ERCC excision repair 2, TFIIH core complex helicase subunit; minus strand). Cytogenetic location: 19q13.32.
Variant type: single nucleotide variant.
Coding change: c.2120A>G on transcript NM_000400.4 (MANE Select); coding-DNA position 2120, A replaced by G.
Protein change: p.Asn707Ser; replaces asparagine 707 with serine.
Molecular consequence: missense variant.
Genome position (GRCh38, 1-based): chr19:45,352,279, T>C on the plus strand (A>G on the coding strand, the complement: ERCC2 is on the minus strand). VCF-style: chr19-45352279-T-C. GRCh37 (hg19) VCF-style: chr19-45855537-T-C.
Other names: short protein forms N707S.
Identifiers: ClinVar variation 1926651 (VCV001926651.5), dbSNP rs751727363, ClinGen allele CA406362183.